The following is an entry in ClinVar:

NM_000317.3(PTS):c.107del (p.Asn36fs)

Gene: PTS (6-pyruvoyltetrahydropterin synthase; plus strand). Cytogenetic location: 11q23.1.
Variant type: Deletion.
Coding change: c.107del on transcript NM_000317.3 (MANE Select); coding-DNA position 107, one base deleted (A; older notation c.107delA).
Protein change: p.Asn36fs; shifts the reading frame from asparagine 36.
Molecular consequence: frameshift variant.
Genome position (GRCh38, 1-based): chr11:112,228,617, A deleted; the last of 4 consecutive A bases (chr11:112,228,614-112,228,617); deleting any one gives the same sequence. VCF-style (leftmost placement, unchanged base first): chr11-112228613-GA-G. GRCh37 (hg19) VCF-style: chr11-112099336-GA-G.
Other names: short protein forms N36fs.
Identifiers: ClinVar variation 941033 (VCV000941033.8), dbSNP rs1859894340, ClinGen allele CA1139662342.

ClinVar aggregate classification (germline): Pathogenic (1 of 4 stars; one submission).

Conditions:
6-Pyruvoyl-tetrahydrobiopterin synthase deficiency. Also called: 6-Pyruvoyltetrahydropterin Synthase Deficiency; HYPERPHENYLALANINEMIA, TETRAHYDROBIOPTERIN-DEFICIENT, DUE TO PTS DEFICIENCY; PTS DEFICIENCY; BH4-deficient hyperphenylalaninemia A; Hyperphenylalanemia, BH4-deficient, A; Hyperphenylalaninemia due to 6-pyruvoyl-tetrahydropterin synthase deficiency. Identifiers: Orphanet 13, Orphanet 238583, MedGen C0878676, MONDO:0009863, OMIM 261640.

Submission:

Labcorp Genetics (formerly Invitae), Labcorp
Classification: Pathogenic for 6-Pyruvoyl-tetrahydrobiopterin synthase deficiency. Last evaluated: 2019-09-11. Review status: criteria provided, single submitter. Criteria: Invitae Variant Classification Sherloc (09022015). Collection method: clinical testing. Allele origin: germline.
Comment: For these reasons, this variant has been classified as Pathogenic. Loss-of-function variants in PTS are known to be pathogenic (PMID: 3297709, 16917893). This variant has not been reported in the literature in individuals with PTS-related conditions. This variant is not present in population databases (ExAC no frequency). This sequence change creates a premature translational stop signal (p.Asn36Thrfs*2) in the PTS gene. It is expected to result in an absent or disrupted protein product.

Literature cited by the submitters: PubMed 3297709; PubMed 16917893.